The following is an entry in ClinVar:

NM_002332.3(LRP1):c.9628G>C (p.Glu3210Gln)

Gene: LRP1 (LDL receptor related protein 1; plus strand). Cytogenetic location: 12q13.3.
Variant type: single nucleotide variant.
Coding change: c.9628G>C on transcript NM_002332.3 (MANE Select); coding-DNA position 9628, G replaced by C.
Protein change: p.Glu3210Gln; replaces glutamic acid 3210 with glutamine.
Molecular consequence: missense variant.
Genome position (GRCh38, 1-based): chr12:57,198,622, G>C. VCF-style: chr12-57198622-G-C. GRCh37 (hg19) VCF-style: chr12-57592405-G-C.
Other names: short protein forms E3210Q.
Identifiers: ClinVar variation 4882772 (VCV004882772.2).

ClinVar aggregate classification (germline): Uncertain significance (1 of 4 stars; one submission).

gnomAD v4.1: 43 of 1,613,152 alleles (0.0027%); highest among the groups gnomAD compares: Non-Finnish European, 0.0036%; no homozygotes.

Submission:

Dasa
Classification: Uncertain significance. Last evaluated: 2025-11-11. Review status: criteria provided, single submitter. Criteria: DASA Assertion Criteria. Collection method: clinical testing. Allele origin: germline.
Comment: NM_002332.3(LRP1):c.9628G>C (p.Glu3210Gln) is a missense variant that results in the substitution of glutamic acid with glutamine. This variant is rare in population databases. The currently available literature and clinical evidence are not sufficient to establish a definitive association between this variant and the reported condition. Therefore, this variant is classified as a variant of uncertain significance.